The following is an entry in ClinVar:

ClinVar aggregate classification (germline): Conflicting classifications of pathogenicity. Review status: criteria provided, conflicting classifications (1 of 4 stars). 4 submissions from 4 submitters: Uncertain significance (2); Likely benign (2). Last evaluated 2026-09-13.

Conditions:
ALDH5A1-related disorder. Also called: ALDH5A1-related condition.
Succinate-semialdehyde dehydrogenase deficiency (SSADHD). Also called: 4-HYDROXYBUTYRIC ACIDURIA; SSADH DEFICIENCY; Succinic Semialdehyde Dehydrogenase Deficiency; GABA METABOLIC DEFECT. Identifiers: Orphanet 22, MedGen C0268631, MONDO:0010083, OMIM 271980.

Allele frequency attached by ClinVar (database versions not stated): 1000 Genomes Project 0.00040; gnomAD 0.00040 and 0.00043; TOPMed 0.00043; 1000 Genomes Project 30x 0.00047; ESP Exome Variant Server 0.00077; gnomAD exomes 0.00013; ExAC 0.00018.
gnomAD v4.1: 130 of 1,612,184 alleles (0.0081%); highest among the groups gnomAD compares: African/African-American, 0.14%; no homozygotes.

Submissions (4):

GeneDx
Classification: Uncertain significance. Last evaluated: 2026-09-13. Review status: criteria provided, single submitter. Criteria: GeneDx Variant Classification Process June 2021. Collection method: clinical testing. Allele origin: germline.
Comment: In silico analysis supports that this missense variant has a deleterious effect on protein structure/function; Has not been previously published as a pathogenic or benign variant to our knowledge related to ALDH5A1-related succinic semialdehyde dehydrogenase deficiency; This variant is associated with the following publications: (PMID: 28991257, 27984508)

Labcorp Genetics (formerly Invitae), Labcorp
Classification: Likely benign for Succinate-semialdehyde dehydrogenase deficiency. Last evaluated: 2025-10-29. Review status: criteria provided, single submitter. Criteria: Invitae Variant Classification Sherloc (09022015). Collection method: clinical testing. Allele origin: germline.

PreventionGenetics, part of Exact Sciences
Classification: Likely benign for ALDH5A1-related condition. Last evaluated: 2025-10-04. Review status: criteria provided, single submitter. Criteria: ACMG Guidelines, 2015. Collection method: clinical testing. Allele origin: germline.
Comment: This variant is classified as likely benign based on ACMG/AMP sequence variant interpretation guidelines (Richards et al. 2015 PMID: 25741868, with internal and published modifications).

Eurofins Ntd Llc (ga)
Classification: Uncertain significance. Last evaluated: 2015-11-11. Review status: criteria provided, single submitter. Criteria: EGL Classification Definitions 2015. Collection method: clinical testing. Allele origin: germline. Observed: 1 variant allele, 1 heterozygote.

NM_001080.3(ALDH5A1):c.605C>T (p.Thr202Ile)

Gene: ALDH5A1 (aldehyde dehydrogenase 5 family member A1; plus strand). Cytogenetic location: 6p22.3.
Variant type: single nucleotide variant.
Coding change: c.605C>T on transcript NM_001080.3 (MANE Select); coding-DNA position 605, C replaced by T.
Protein change: p.Thr202Ile; replaces threonine 202 with isoleucine.
Molecular consequence: missense variant.
Genome position (GRCh38, 1-based): chr6:24,503,429, C>T. VCF-style: chr6-24503429-C-T. GRCh37 (hg19) VCF-style: chr6-24503657-C-T.
Other names: c.605C>T, p.Thr202Ile (NM_001368954.1, NM_170740.1); short protein forms T202I.
Identifiers: ClinVar variation 284327 (VCV000284327.18), dbSNP rs148733464, ClinGen allele CA3656664.